The following is an entry in ClinVar:

ClinVar aggregate classification (germline): Uncertain significance (1 of 4 stars; one submission).

Conditions:
Myasthenic syndrome, congenital, 22 (CMS22). Also called: PREPL DEFICIENCY. Identifiers: MedGen C4479088, MONDO:0044299, OMIM 616224.

Allele frequency attached by ClinVar (database versions not stated): TOPMed below 0.00001.

Submission:

Labcorp Genetics (formerly Invitae), Labcorp
Classification: Uncertain significance for Myasthenic syndrome, congenital, 22. Last evaluated: 2022-01-06. Review status: criteria provided, single submitter. Criteria: Invitae Variant Classification Sherloc (09022015). Collection method: clinical testing. Allele origin: germline.
Comment: In summary, the available evidence is currently insufficient to determine the role of this variant in disease. Therefore, it has been classified as a Variant of Uncertain Significance. Algorithms developed to predict the effect of missense changes on protein structure and function output the following: SIFT: "Deleterious"; PolyPhen-2: "Benign"; Align-GVGD: "Class C0". The phenylalanine amino acid residue is found in multiple mammalian species, which suggests that this missense change does not adversely affect protein function. This variant has not been reported in the literature in individuals affected with PREPL-related conditions. This variant is not present in population databases (gnomAD no frequency). This sequence change replaces serine, which is neutral and polar, with phenylalanine, which is neutral and non-polar, at codon 571 of the PREPL protein (p.Ser571Phe).

NM_001171613.2(PREPL):c.1445C>T (p.Ser482Phe)

Gene: PREPL (prolyl endopeptidase like; minus strand). Cytogenetic location: 2p21.
Variant type: single nucleotide variant.
Coding change: c.1445C>T on transcript NM_001171613.2 (MANE Select); coding-DNA position 1445, C replaced by T.
Protein change: p.Ser482Phe; replaces serine 482 with phenylalanine.
Molecular consequence: missense variant.
Genome position (GRCh38, 1-based): chr2:44,326,746, G>A on the plus strand (C>T on the coding strand, the complement: PREPL is on the minus strand). VCF-style: chr2-44326746-G-A. GRCh37 (hg19) VCF-style: chr2-44553885-G-A.
Other names: c.1526C>T, p.Ser509Phe (NM_001042385.2); c.1514C>T, p.Ser505Phe (NM_001042386.2); c.1712C>T, p.Ser571Phe (NM_001171603.1, NM_001171606.2, NM_001374275.1 and 2 more transcripts); c.1445C>T, p.Ser482Phe (NM_001171617.1, NM_001374277.1); short protein forms S482F, S505F, S509F, S571F.
Identifiers: ClinVar variation 2076789 (VCV002076789.4), dbSNP rs13402626, ClinGen allele CA46530129.